The following is an entry in ClinVar:

NM_001378030.1(CCDC78):c.71G>A (p.Arg24Gln)

Gene: CCDC78 (coiled-coil domain containing 78; minus strand). Cytogenetic location: 16p13.3.
Variant type: single nucleotide variant.
Coding change: c.71G>A on transcript NM_001378030.1 (MANE Select); coding-DNA position 71, G replaced by A.
Protein change: p.Arg24Gln; replaces arginine 24 with glutamine.
Molecular consequence: missense variant. On other transcripts: 5 prime UTR variant (1), non-coding transcript variant (5).
Genome position (GRCh38, 1-based): chr16:726,075, C>T on the plus strand (G>A on the coding strand, the complement: CCDC78 is on the minus strand). VCF-style: chr16-726075-C-T. GRCh37 (hg19) VCF-style: chr16-776075-C-T.
Other names: c.71G>A, p.Arg24Gln (NM_001031737.3, NM_001378031.1); c.-215G>A (NM_001378033.1); short protein forms R24Q.
Identifiers: ClinVar variation 2050102 (VCV002050102.4), dbSNP rs1402105399, ClinGen allele CA394106108.
Genomic context (GRCh38, chr16:726,075, plus strand): 5'-TCCAAGCTGGTGGCCCACACTGCGGTGCCCCCAGGAGCTCCTGGCAGCCAGTCCTTGGCT[C>T]GTAGCACAACCTGGGGAGGTACCGCCACCCATTCCCCAGGTGGGTCCCAGGCTGGGCTGT-3'
Protein context (NP_001364959.1, residues 14-34): PSRRVENVVL[Arg24Gln]AKDWLPGAPG

ClinVar aggregate classification (germline): Uncertain significance (1 of 4 stars; one submission).

Conditions:
Congenital myopathy with internal nuclei and atypical cores. Also called: Myopathy, centronuclear, 4. Identifiers: Orphanet 319160, MedGen C4707232, MONDO:0013890, OMIM 614807.

Allele frequency attached by ClinVar (database versions not stated): gnomAD 0.00001; gnomAD exomes 0.00003.
gnomAD v4.1: 36 of 1,548,576 alleles (0.0023%); highest among the groups gnomAD compares: Non-Finnish European, 0.0028%; no homozygotes.

Submission:

Labcorp Genetics (formerly Invitae), Labcorp
Classification: Uncertain significance for Congenital myopathy with internal nuclei and atypical cores. Last evaluated: 2022-03-28. Review status: criteria provided, single submitter. Criteria: Invitae Variant Classification Sherloc (09022015). Collection method: clinical testing. Allele origin: germline.
Comment: In summary, the available evidence is currently insufficient to determine the role of this variant in disease. Therefore, it has been classified as a Variant of Uncertain Significance. Algorithms developed to predict the effect of missense changes on protein structure and function output the following: SIFT: "Tolerated"; PolyPhen-2: "Benign"; Align-GVGD: "Class C0". The glutamine amino acid residue is found in multiple mammalian species, which suggests that this missense change does not adversely affect protein function. This variant has not been reported in the literature in individuals affected with CCDC78-related conditions. The frequency data for this variant in the population databases is considered unreliable, as metrics indicate poor data quality at this position in the gnomAD database. This sequence change replaces arginine, which is basic and polar, with glutamine, which is neutral and polar, at codon 24 of the CCDC78 protein (p.Arg24Gln).